The following is an entry in ClinVar:

NM_000083.3(CLCN1):c.47G>A (p.Trp16Ter)

Gene: CLCN1 (chloride voltage-gated channel 1; plus strand). Cytogenetic location: 7q34.
Variant type: single nucleotide variant.
Coding change: c.47G>A on transcript NM_000083.3 (MANE Select); coding-DNA position 47, G replaced by A.
Protein change: p.Trp16Ter; replaces tryptophan 16 with a stop codon.
Molecular consequence: nonsense. On other transcripts: non-coding transcript variant (1).
Genome position (GRCh38, 1-based): chr7:143,316,259, G>A. VCF-style: chr7-143316259-G-A. GRCh37 (hg19) VCF-style: chr7-143013352-G-A.
Other names: short protein forms W16*.
Identifiers: ClinVar variation 1324083 (VCV001324083.9), dbSNP rs769092535, ClinGen allele CA4536806.

ClinVar aggregate classification (germline): Pathogenic/Likely pathogenic. Review status: criteria provided, multiple submitters, no conflicts (2 of 4 stars). 3 submissions from 3 submitters: Pathogenic (1); Likely pathogenic (2). Last evaluated 2026-01-28.

Conditions:
Congenital myotonia, autosomal recessive form. Also called: BECKER DISEASE; Becker Generalized Myotonia; myotonia congenita, autosomal recessive. Identifiers: Orphanet 614, MedGen C0751360, MONDO:0009715, OMIM 255700.
Congenital myotonia, autosomal dominant form (THD). Also called: THOMSEN DISEASE; Myotonia congenita autosomal dominant. Identifiers: Orphanet 614, MedGen C2936781, MONDO:0008055, OMIM 160800.

Allele frequency attached by ClinVar (database versions not stated): ExAC 0.00003; gnomAD 0.00001; gnomAD exomes 0.00001 and 0.00002; TOPMed 0.00001.
gnomAD v4.1: 10 of 1,613,656 alleles (0.00062%); highest among the groups gnomAD compares: South Asian, 0.0088%; no homozygotes.

Submissions (3):

Labcorp Genetics (formerly Invitae), Labcorp
Classification: Pathogenic for Congenital myotonia, autosomal recessive form; Congenital myotonia, autosomal dominant form. Last evaluated: 2026-01-28. Review status: criteria provided, single submitter. Criteria: Invitae Variant Classification Sherloc (09022015). Collection method: clinical testing. Allele origin: germline.
Comment: This sequence change creates a premature translational stop signal (p.Trp16*) in the CLCN1 gene. It is expected to result in an absent or disrupted protein product. Loss-of-function variants in CLCN1 are known to be pathogenic (PMID: 17932099, 22094069, 23739125). This variant is present in population databases (rs769092535, gnomAD 0.02%). This variant has not been reported in the literature in individuals affected with CLCN1-related conditions. ClinVar contains an entry for this variant (Variation ID: 1324083). For these reasons, this variant has been classified as Pathogenic.

Revvity Omics, Revvity
Classification: Likely pathogenic. Last evaluated: 2023-03-17. Review status: criteria provided, single submitter. Criteria: ACMG Guidelines, 2015. Collection method: clinical testing. Allele origin: germline.

Neuberg Centre For Genomic Medicine, NCGM
Classification: Likely pathogenic for Congenital myotonia, autosomal recessive form. Review status: criteria provided, single submitter. Criteria: ACMG Guidelines, 2015. Collection method: clinical testing. Allele origin: germline. Inheritance: Autosomal recessive inheritance. Affected: yes.

Literature cited by the submitters: PubMed 17932099 (cited by Labcorp Genetics (formerly Invitae), Labcorp); PubMed 22094069 (cited by Labcorp Genetics (formerly Invitae), Labcorp); PubMed 23739125 (cited by Labcorp Genetics (formerly Invitae), Labcorp).